The following is an entry in ClinVar:

ClinVar aggregate classification (germline): Likely benign (1 of 4 stars; one submission).

Submission:

CeGaT Center for Human Genetics Tuebingen
Classification: Likely benign. Last evaluated: 2025-05-01. Review status: criteria provided, single submitter. Criteria: CeGaT Center For Human Genetics Tuebingen Variant Classification Criteria Version 2. Collection method: clinical testing. Allele origin: germline. Affected: yes. Observed: 1 variant allele.
Comment: MINAR2: BP4, BP7

NM_001257308.2(MINAR2):c.381T>C (p.Ser127=)

Gene: MINAR2 (membrane integral NOTCH2 associated receptor 2; plus strand). Cytogenetic location: 5q23.3.
Variant type: single nucleotide variant.
Coding change: c.381T>C on transcript NM_001257308.2 (MANE Select); coding-DNA position 381, T replaced by C.
Protein change: p.Ser127=; no amino-acid change (serine 127 retained).
Molecular consequence: synonymous variant.
Genome position (GRCh38, 1-based): chr5:129,760,593, T>C. VCF-style: chr5-129760593-T-C. GRCh37 (hg19) VCF-style: chr5-129096286-T-C.
Identifiers: ClinVar variation 3905118 (VCV003905118.10).